The following is an entry in ClinVar:

ClinVar aggregate classification (germline): Uncertain significance (1 of 4 stars; one submission).

Conditions:
Duchenne muscular dystrophy (DMD). Also called: MUSCULAR DYSTROPHY, PSEUDOHYPERTROPHIC PROGRESSIVE, DUCHENNE TYPE; Duchenne Muscular Dystrophy (DMD). Identifiers: Orphanet 98896, MedGen C0013264, MONDO:0010679, OMIM 310200.

Submission:

MGZ Medical Genetics Center
Classification: Uncertain significance for Duchenne muscular dystrophy. Last evaluated: 2022-04-07. Review status: criteria provided, single submitter. Criteria: ACMG Guidelines, 2015. Collection method: clinical testing. Allele origin: germline. Affected: yes. Observed: 1 variant allele.
Comment: ACMG criteria applied: PM2_SUP, PP3

NM_004006.3(DMD):c.8028-12G>A

Gene: DMD (dystrophin; minus strand). Cytogenetic location: Xp21.1.
Variant type: single nucleotide variant.
Coding change: c.8028-12G>A on transcript NM_004006.3 (MANE Select); 12 bases into the intron before coding-DNA position 8028, G replaced by A.
Molecular consequence: intron variant.
Genome position (GRCh38, 1-based): chrX:31,627,874, C>T on the plus strand (G>A on the coding strand, the complement: DMD is on the minus strand). VCF-style: chrX-31627874-C-T. GRCh37 (hg19) VCF-style: chrX-31645991-C-T.
Other names: c.8004-12G>A (NM_000109.4); c.4005-12G>A (NM_004011.4); c.3996-12G>A (NM_004012.4); c.648-12G>A (NM_004023.3, NM_004020.4, NM_004022.3 and 2 more transcripts); c.8016-12G>A (NM_004009.3); c.7659-12G>A (NM_004010.3).
Identifiers: ClinVar variation 1709314 (VCV001709314.2), dbSNP rs2528282264, ClinGen allele CA2580100603.